The following is an entry in ClinVar:

NM_000398.7(CYB5R3):c.21+4827C>T

Gene: CYB5R3 (cytochrome b5 reductase 3; minus strand). Cytogenetic location: 22q13.2.
Variant type: single nucleotide variant.
Coding change: c.21+4827C>T on transcript NM_000398.7 (MANE Select); 4827 bases into the intron after coding-DNA position 21, C replaced by T.
Molecular consequence: intron variant. On other transcripts: synonymous variant (1).
Genome position (GRCh38, 1-based): chr22:42,644,468, G>A on the plus strand (C>T on the coding strand, the complement: CYB5R3 is on the minus strand). VCF-style: chr22-42644468-G-A. GRCh37 (hg19) VCF-style: chr22-43040474-G-A.
Other names: p.?; c.42C>T, p.Asp14= (NM_001171660.2); c.-49+2418C>T (NM_007326.4); c.-49+2173C>T (NM_001171661.1, NM_001129819.2).
Identifiers: ClinVar variation 993620 (VCV000993620.19), dbSNP rs8190406, ClinGen allele CA10270077.
Genomic context (GRCh38, chr22:42,644,468, plus strand): 5'-TTCAACATCAAGCCCATCTTGCTTCAGGCGTTCGCATATGCTCTCCTCTCTGCCCCAAAT[G>A]TCCTTGCTCTGCATGCATCCAACCAGCAAACTCCTATTCATTCCTCAGAGCCTAGCTCAA-3'

ClinVar aggregate classification (germline): Benign. Review status: criteria provided, multiple submitters, no conflicts (2 of 4 stars). 3 submissions from 3 submitters: Benign (3). Last evaluated 2025-07-25.

Allele frequency attached by ClinVar (database versions not stated): gnomAD exomes 0.00107 and 0.00231; gnomAD 0.00953 and 0.00897; ExAC 0.00308; 1000 Genomes Project 0.00998; 1000 Genomes Project 30x 0.01109; TOPMed 0.01008.
gnomAD v4.1: 2,205 of 898,252 alleles (0.25%); highest among the groups gnomAD compares: African/African-American, 3.1%; 26 homozygotes.

Submissions (3):

ARUP Laboratories, Molecular Genetics and Genomics, ARUP Laboratories
Classification: Benign. Last evaluated: 2025-07-25. Review status: criteria provided, single submitter. Criteria: ARUP Molecular Germline Variant Investigation Process 2024. Collection method: clinical testing. Allele origin: germline.

Mayo Clinic Laboratories, Mayo Clinic
Classification: Benign. Last evaluated: 2024-09-24. Review status: criteria provided, single submitter. Criteria: ACMG Guidelines, 2015. Collection method: clinical testing. Allele origin: germline. Observed: 3 variant alleles.
Comment: BS1, BS2

Breakthrough Genomics
Classification: Benign. Review status: criteria provided, single submitter. Criteria: ACMG Guidelines, 2015. Collection method: not provided. Allele origin: germline. Inheritance: Autosomal recessive inheritance. Affected: yes.